The following is an entry in ClinVar:

NM_018972.4(GDAP1):c.720C>T (p.Cys240=)

Gene: GDAP1 (ganglioside induced differentiation associated protein 1; plus strand). Cytogenetic location: 8q21.11.
Variant type: single nucleotide variant.
Coding change: c.720C>T on transcript NM_018972.4 (MANE Select); coding-DNA position 720, C replaced by T.
Protein change: p.Cys240=; no amino-acid change (cysteine 240 retained).
Molecular consequence: synonymous variant. On other transcripts: intron variant (1).
Genome position (GRCh38, 1-based): chr8:74,364,010, C>T. VCF-style: chr8-74364010-C-T. GRCh37 (hg19) VCF-style: chr8-75276245-C-T.
Other names: c.516C>T, p.Cys172= (NM_001040875.4); c.393C>T, p.Cys131= (NM_001362929.2, NM_001362932.2); c.546C>T, p.Cys182= (NM_001362930.2); c.694+957C>T (NM_001362931.2).
Identifiers: ClinVar variation 514656 (VCV000514656.18), dbSNP rs367790253, ClinGen allele CA4785190.

ClinVar aggregate classification (germline): Likely benign. Review status: criteria provided, multiple submitters, no conflicts (2 of 4 stars). 6 submissions from 6 submitters: Likely benign (6). Last evaluated 2025-09-16.

Conditions:
GDAP1-related disorder. Also called: GDAP1-related condition; GDAP1-related disorders.
Inborn genetic diseases. Identifiers: MedGen C0950123, MeSH D030342.
Charcot-Marie-Tooth disease. Also called: Charcot-Marie-Tooth Neuropathy; Charcot-Marie-Tooth Hereditary Neuropathy. Identifiers: Orphanet 166, MedGen C0007959, MONDO:0015626.
Charcot-Marie-Tooth disease type 4A. Also called: Charcot-Marie-Tooth disease, demyelinating, autosomal recessive, type 4a. Identifiers: Orphanet 99948, MedGen C1859198, MONDO:0008961, OMIM 214400.

Allele frequency attached by ClinVar (database versions not stated): gnomAD 0.00005 and 0.00006; ExAC 0.00006; ESP Exome Variant Server 0.00008; TOPMed 0.00012.
gnomAD v4.1: 121 of 1,613,588 alleles (0.0075%); highest among the groups gnomAD compares: East Asian, 0.013%; no homozygotes.

Submissions (6):

Labcorp Genetics (formerly Invitae), Labcorp
Classification: Likely benign for Charcot-Marie-Tooth disease type 4A. Last evaluated: 2025-09-16. Review status: criteria provided, single submitter. Criteria: Invitae Variant Classification Sherloc (09022015). Collection method: clinical testing. Allele origin: germline.

PreventionGenetics, part of Exact Sciences
Classification: Likely benign for GDAP1-related condition. Last evaluated: 2025-06-29. Review status: criteria provided, single submitter. Criteria: ACMG Guidelines, 2015. Collection method: clinical testing. Allele origin: germline.
Comment: This variant is classified as likely benign based on ACMG/AMP sequence variant interpretation guidelines (Richards et al. 2015 PMID: 25741868, with internal and published modifications).

GeneDx
Classification: Likely benign. Last evaluated: 2021-02-03. Review status: criteria provided, single submitter. Criteria: GeneDx Variant Classification Process June 2021. Collection method: clinical testing. Allele origin: germline. Affected: yes.

Ambry Genetics
Classification: Likely benign for Inborn genetic diseases. Last evaluated: 2019-07-11. Review status: criteria provided, single submitter. Criteria: Ambry Variant Classification Scheme 2023. Collection method: clinical testing. Allele origin: germline.

Breakthrough Genomics
Classification: Likely benign. Review status: criteria provided, single submitter. Criteria: ACMG Guidelines, 2015. Collection method: not provided. Allele origin: germline. Inheritance: Autosomal recessive inheritance. Affected: yes.

Molecular Genetics Laboratory, London Health Sciences Centre
Classification: Likely benign for Charcot-Marie-Tooth disease. Review status: criteria provided, single submitter. Criteria: ACMG Guidelines, 2015. Collection method: clinical testing. Allele origin: germline. Affected: yes.